The following is an entry in ClinVar:

NM_000548.5(TSC2):c.5266G>C (p.Glu1756Gln)

Gene: TSC2 (TSC complex subunit 2; plus strand). Cytogenetic location: 16p13.3.
Variant type: single nucleotide variant.
Coding change: c.5266G>C on transcript NM_000548.5 (MANE Select); coding-DNA position 5266, G replaced by C.
Protein change: p.Glu1756Gln; replaces glutamic acid 1756 with glutamine.
Molecular consequence: missense variant.
Genome position (GRCh38, 1-based): chr16:2,088,452, G>C. VCF-style: chr16-2088452-G-C. GRCh37 (hg19) VCF-style: chr16-2138453-G-C.
Other names: c.5137G>C, p.Glu1713Gln (NM_021055.3); c.5065G>C, p.Glu1689Gln (NM_001077183.3); c.5197G>C, p.Glu1733Gln (NM_001114382.3); c.4957G>C, p.Glu1653Gln (NM_001318827.2); c.4921G>C, p.Glu1641Gln (NM_001318829.2); c.4534G>C, p.Glu1512Gln (NM_001318831.2); c.5098G>C, p.Glu1700Gln (NM_001318832.2); c.5068G>C, p.Glu1690Gln (NM_001363528.2); and 2 more; short protein forms E1512Q, E1641Q, E1713Q, E1689Q, E1709Q, E1756Q, E1653Q, E1712Q.
Identifiers: ClinVar variation 656781 (VCV000656781.9), dbSNP rs375075952, ClinGen allele CA394315058.

ClinVar aggregate classification (germline): Uncertain significance. Review status: criteria provided, multiple submitters, no conflicts (2 of 4 stars). 2 submissions from 2 submitters: Uncertain significance (2). Last evaluated 2025-07-29.

Conditions:
Tuberous sclerosis 2 (TSC2). Identifiers: Orphanet 805, MedGen C1860707, MONDO:0013199, OMIM 613254.
Hereditary cancer-predisposing syndrome. Also called: Neoplastic Syndromes, Hereditary; Hereditary neoplastic syndrome; Hereditary Cancer Syndrome; Tumor predisposition. Identifiers: Orphanet 140162, MedGen C0027672, MeSH D009386, MONDO:0015356.

Submissions (2):

Ambry Genetics
Classification: Uncertain significance for Hereditary cancer-predisposing syndrome. Last evaluated: 2025-07-29. Review status: criteria provided, single submitter. Criteria: Ambry Variant Classification Scheme 2023. Collection method: clinical testing. Allele origin: germline.
Comment: The p.E1756Q variant (also known as c.5266G>C), located in coding exon 41 of the TSC2 gene, results from a G to C substitution at nucleotide position 5266. The glutamic acid at codon 1756 is replaced by glutamine, an amino acid with highly similar properties. This amino acid position is highly conserved in available vertebrate species. In addition, this alteration is predicted to be deleterious by in silico analysis. Based on the available evidence, the clinical significance of this variant remains unclear.

Labcorp Genetics (formerly Invitae), Labcorp
Classification: Uncertain significance for Tuberous sclerosis 2. Last evaluated: 2018-09-20. Review status: criteria provided, single submitter. Criteria: Invitae Variant Classification Sherloc (09022015). Collection method: clinical testing. Allele origin: germline.
Comment: This variant is not present in population databases (ExAC no frequency). This sequence change replaces glutamic acid with glutamine at codon 1756 of the TSC2 protein (p.Glu1756Gln). The glutamic acid residue is highly conserved and there is a small physicochemical difference between glutamic acid and glutamine. This variant has not been reported in the literature in individuals with TSC2-related disease. Algorithms developed to predict the effect of missense changes on protein structure and function are either unavailable or do not agree on the potential impact of this missense change (SIFT: "Deleterious"; PolyPhen-2: "Probably Damaging"; Align-GVGD: "Class C0"). In summary, the available evidence is currently insufficient to determine the role of this variant in disease. Therefore, it has been classified as a Variant of Uncertain Significance.